The following is an entry in ClinVar:

ClinVar aggregate classification (germline): Uncertain significance (1 of 4 stars; one submission).

Conditions:
Deafness-lymphedema-leukemia syndrome. Also called: Emberger syndrome; Lymphedema, primary, with myelodysplasia. Identifiers: Orphanet 3226, MedGen C3279664, MONDO:0013540, OMIM 614038.
GATA2 deficiency with susceptibility to MDS/AML. Identifiers: MedGen CN300066, MONDO:0042982.

Submission:

Molecular Pathology Research Laboratory, SA Pathology
Classification: Uncertain significance for GATA2 deficiency with susceptibility to MDS/AML; Deafness-lymphedema-leukemia syndrome. Last evaluated: 2021-07-06. Review status: criteria provided, single submitter. Criteria: ACMG Guidelines, 2015. Collection method: curation. Allele origin: germline. Inheritance: Autosomal dominant inheritance. Affected: yes. Observed: 2 variant alleles.
Comment: PS4_Moderate, PM2, PP3

Literature cited by the submitters: PubMed 29724903.

NM_032638.5(GATA2):c.229+13_229+14insCGCGCGTCTCCTACAGCCCCGCGCACGGTGAGCACTGGGCGCC

Gene: GATA2 (GATA binding protein 2; minus strand). Cytogenetic location: 3q21.3.
Variant type: Insertion.
Coding change: c.229+13_229+14insCGCGCGTCTCCTACAGCCCCGCGCACGGTGAGCACTGGGCGCC on transcript NM_032638.5 (MANE Select); bases 13 to 14 of the intron after coding-DNA position 229, CGCGCGTCTCCTACAGCCCCGCGCACGGTGAGCACTGGGCGCC inserted.
Molecular consequence: splice donor variant.
Genome position: GRCh38: chr3:128,486,829-128,486,830. GRCh37 (hg19): chr3:128,205,672-128,205,673.
Other names: c.229+13_229+14insCGCGCGTCTCCTACAGCCCCGCGCACGGTGAGCACTGGGCGCC (NM_001145662.1, NM_001145661.2).
Identifiers: ClinVar variation 1183988 (VCV001183988.1), dbSNP rs2107673349, ClinGen allele CA1298200833.